The following is an entry in ClinVar:

NC_000011.9:g.(?_9091245)_(9286616_?)del

Genes: DENND5A (DENN domain containing 5A; minus strand), SCUBE2 (signal peptide, CUB domain and EGF like domain containing 2; minus strand). Cytogenetic location: 11p15.4.
Variant type: Deletion.
Identifiers: ClinVar variation 2426098 (VCV002426098.4).

ClinVar aggregate classification (germline): Pathogenic (1 of 4 stars; one submission).

Submission:

Labcorp Genetics (formerly Invitae), Labcorp
Classification: Pathogenic. Last evaluated: 2022-09-22. Review status: criteria provided, single submitter. Criteria: Invitae Variant Classification Sherloc (09022015). Collection method: clinical testing. Allele origin: germline.
Comment: For these reasons, this variant has been classified as Pathogenic. This variant has not been reported in the literature in individuals affected with DENND5A-related conditions. A gross deletion of the genomic region encompassing the full coding sequence of the DENND5A gene has been identified. Loss-of-function variants in DENND5A are known to be pathogenic (PMID: 27431290, 27866705). The boundaries of this event are unknown as they extend beyond the assayed region for this gene and therefore may encompass additional genes.

Literature cited by the submitters: PubMed 27431290; PubMed 27866705.